The following is an entry in ClinVar:

NM_000059.4(BRCA2):c.7573G>A (p.Ala2525Thr)

Gene: BRCA2 (BRCA2 DNA repair associated; plus strand). Cytogenetic location: 13q13.1.
Variant type: single nucleotide variant.
Coding change: c.7573G>A on transcript NM_000059.4 (MANE Select); coding-DNA position 7573, G replaced by A.
Protein change: p.Ala2525Thr; replaces alanine 2525 with threonine.
Molecular consequence: missense variant.
Genome position (GRCh38, 1-based): chr13:32,356,565, G>A. VCF-style: chr13-32356565-G-A. GRCh37 (hg19) VCF-style: chr13-32930702-G-A.
Other names: short protein forms A2525T.
Identifiers: ClinVar variation 186674 (VCV000186674.15), dbSNP rs786203133, ClinGen allele CA025160.

ClinVar aggregate classification (germline): Conflicting classifications of pathogenicity. Review status: criteria provided, conflicting classifications (1 of 4 stars). 2 submissions from 2 submitters: Uncertain significance (1); Likely benign (1). Last evaluated 2025-04-29.

Conditions:
Hereditary cancer-predisposing syndrome. Also called: Neoplastic Syndromes, Hereditary; Tumor predisposition; Hereditary Cancer Syndrome; Hereditary neoplastic syndrome. Identifiers: Orphanet 140162, MedGen C0027672, MeSH D009386, MONDO:0015356.
Hereditary breast ovarian cancer syndrome. Also called: Hereditary breast and ovarian cancer; Hereditary breast and/or ovarian cancer syndrome; BRCA1- and BRCA2-Associated Hereditary Breast and Ovarian Cancer; Hereditary breast and ovarian cancer syndrome (HBOC); Hereditary breast and ovarian cancer syndrome; Breast and ovarian cancer. Identifiers: Orphanet 145, MedGen C0677776, MeSH D061325, MONDO:0003582. Disease mechanism: loss of function.

Submissions (2):

Ambry Genetics
Classification: Likely benign for Hereditary cancer-predisposing syndrome. Last evaluated: 2025-04-29. Review status: criteria provided, single submitter. Criteria: Ambry Variant Classification Scheme 2023. Collection method: clinical testing. Allele origin: germline.

Labcorp Genetics (formerly Invitae), Labcorp
Classification: Uncertain significance for Hereditary breast ovarian cancer syndrome. Last evaluated: 2020-03-05. Review status: criteria provided, single submitter. Criteria: Invitae Variant Classification Sherloc (09022015). Collection method: clinical testing. Allele origin: germline.
Comment: In summary, the available evidence is currently insufficient to determine the role of this variant in disease. Therefore, it has been classified as a Variant of Uncertain Significance. Algorithms developed to predict the effect of missense changes on protein structure and function output the following: SIFT: "Tolerated"; PolyPhen-2: "Benign"; Align-GVGD: "Class C0". The threonine amino acid residue is found in multiple mammalian species, suggesting that this missense change does not adversely affect protein function. These predictions have not been confirmed by published functional studies and their clinical significance is uncertain. This variant has not been reported in the literature in individuals with BRCA2-related conditions. ClinVar contains an entry for this variant (Variation ID: 186674). This variant is not present in population databases (ExAC no frequency). This sequence change replaces alanine with threonine at codon 2525 of the BRCA2 protein (p.Ala2525Thr). The alanine residue is weakly conserved and there is a small physicochemical difference between alanine and threonine.